The following is an entry in ClinVar:

NM_021930.6(RINT1):c.421T>C (p.Trp141Arg)

Gene: RINT1 (RAD50 interactor 1; plus strand). Cytogenetic location: 7q22.3.
Variant type: single nucleotide variant.
Coding change: c.421T>C on transcript NM_021930.6 (MANE Select); coding-DNA position 421, T replaced by C.
Protein change: p.Trp141Arg; replaces tryptophan 141 with arginine.
Molecular consequence: missense variant. On other transcripts: 5 prime UTR variant (3), non-coding transcript variant (1).
Genome position (GRCh38, 1-based): chr7:105,542,555, T>C. VCF-style: chr7-105542555-T-C. GRCh37 (hg19) VCF-style: chr7-105183002-T-C.
Other names: c.187T>C, p.Trp63Arg (NM_001346599.2); c.-599T>C (NM_001346600.2); c.-502T>C (NM_001346601.2); c.-122T>C (NM_001346603.2); short protein forms W63R, W141R.
Identifiers: ClinVar variation 838043 (VCV000838043.11), dbSNP rs1381365851, ClinGen allele CA368803551.
Genomic context (GRCh38, chr7:105,542,555, plus strand): 5'-CTGGAGCAGGAAACTCATCTCTTCAGCGCCATTAACAGCCATTTGCTGACTGCGCAACCT[T>C]GGATGGACGATCTTGGAACCATGATTAGCCAGATTGAAGAGATCGAACGTCATCTTGCTT-3'
Protein context (NP_068749.3, residues 131-151): INSHLLTAQP[Trp141Arg]MDDLGTMISQ

ClinVar aggregate classification (germline): Uncertain significance. Review status: criteria provided, multiple submitters, no conflicts (2 of 4 stars). 2 submissions from 2 submitters: Uncertain significance (2). Last evaluated 2024-01-14.

Allele frequency attached by ClinVar (database versions not stated): gnomAD exomes below 0.00001.
gnomAD v4.1: 1 of 1,614,170 alleles (0.000062%); highest among the groups gnomAD compares: Non-Finnish European, 0.000085%; no homozygotes.

Submissions (2):

Ambry Genetics
Classification: Uncertain significance. Last evaluated: 2024-01-14. Review status: criteria provided, single submitter. Criteria: Ambry Variant Classification Scheme 2023. Collection method: clinical testing. Allele origin: germline.
Comment: The p.W141R variant (also known as c.421T>C), located in coding exon 4 of the RINT1 gene, results from a T to C substitution at nucleotide position 421. The tryptophan at codon 141 is replaced by arginine, an amino acid with dissimilar properties. This amino acid position is well conserved in available vertebrate species. In addition, the in silico prediction for this alteration is inconclusive. The evidence for this gene-disease relationship is limited; therefore, the clinical significance of this alteration is unclear.

Labcorp Genetics (formerly Invitae), Labcorp
Classification: Uncertain significance. Last evaluated: 2022-08-16. Review status: criteria provided, single submitter. Criteria: Invitae Variant Classification Sherloc (09022015). Collection method: clinical testing. Allele origin: germline.
Comment: This variant has not been reported in the literature in individuals affected with RINT1-related conditions. ClinVar contains an entry for this variant (Variation ID: 838043). Algorithms developed to predict the effect of missense changes on protein structure and function (SIFT, PolyPhen-2, Align-GVGD) all suggest that this variant is likely to be tolerated. In summary, the available evidence is currently insufficient to determine the role of this variant in disease. Therefore, it has been classified as a Variant of Uncertain Significance. This variant is present in population databases (no rsID available, gnomAD 0.0009%). This sequence change replaces tryptophan, which is neutral and slightly polar, with arginine, which is basic and polar, at codon 141 of the RINT1 protein (p.Trp141Arg).